The following is an entry in ClinVar:

NM_013275.6(ANKRD11):c.-193C>G

Gene: ANKRD11 (ankyrin repeat domain 11; minus strand). Cytogenetic location: 16q24.3.
Variant type: single nucleotide variant.
Coding change: c.-193C>G on transcript NM_013275.6 (MANE Select); 193 bases upstream of the start codon, C replaced by G.
Molecular consequence: 5 prime UTR variant. On other transcripts: non-coding transcript variant (1).
Genome position (GRCh38, 1-based): chr16:89,490,293, G>C on the plus strand (C>G on the coding strand, the complement: ANKRD11 is on the minus strand). VCF-style: chr16-89490293-G-C. GRCh37 (hg19) VCF-style: chr16-89556701-G-C.
Other names: c.-264C>G (NM_001256182.2); c.-190C>G (NM_001256183.2).
Identifiers: ClinVar variation 1500356 (VCV001500356.6), dbSNP rs2057786943, ClinGen allele CA2241723846.

ClinVar aggregate classification (germline): Uncertain significance (1 of 4 stars; one submission).

Conditions:
KBG syndrome (KBGS). Also called: ANKRD11-Related KBG Syndrome. Identifiers: Orphanet 2332, MedGen C0220687, MONDO:0007846, OMIM 148050.

Submission:

Labcorp Genetics (formerly Invitae), Labcorp
Classification: Uncertain significance for KBG syndrome. Last evaluated: 2022-08-16. Review status: criteria provided, single submitter. Criteria: Invitae Variant Classification Sherloc (09022015). Collection method: clinical testing. Allele origin: germline.
Comment: In summary, the available evidence is currently insufficient to determine the role of this variant in disease. Therefore, it has been classified as a Variant of Uncertain Significance. This variant has not been reported in the literature in individuals affected with ANKRD11-related conditions. The frequency data for this variant in the population databases is considered unreliable, as metrics indicate insufficient coverage at this position in the gnomAD database. This variant occurs in a non-coding region of the ANKRD11 gene. It does not change the encoded amino acid sequence of the ANKRD11 protein. Experimental studies and prediction algorithms are not available or were not evaluated, and the functional significance of this variant is currently unknown. ClinVar contains an entry for this variant (Variation ID: 1500356).